The following is an entry in ClinVar:

NM_000722.4(CACNA2D1):c.2821C>T (p.Arg941Ter)

Gene: CACNA2D1 (calcium voltage-gated channel auxiliary subunit alpha2delta 1; minus strand). Cytogenetic location: 7q21.11.
Variant type: single nucleotide variant.
Coding change: c.2821C>T on transcript NM_000722.4 (MANE Select); coding-DNA position 2821, C replaced by T.
Protein change: p.Arg941Ter; replaces arginine 941 with a stop codon.
Molecular consequence: nonsense.
Genome position (GRCh38, 1-based): chr7:81,962,455, G>A on the plus strand (C>T on the coding strand, the complement: CACNA2D1 is on the minus strand). VCF-style: chr7-81962455-G-A. GRCh37 (hg19) VCF-style: chr7-81591771-G-A.
Other names: c.2857C>T, p.Arg953Ter (NM_001366867.1); short protein forms R953*, R941*.
Identifiers: ClinVar variation 2114504 (VCV002114504.4), dbSNP rs1346738610, ClinGen allele CA367882837.

ClinVar aggregate classification (germline): Uncertain significance (1 of 4 stars; one submission).

Conditions:
Brugada syndrome. Also called: Sudden Unexplained Death Syndrome; Sudden Unexplained Nocturnal Death Syndrome (SUNDS); Sudden unexpected nocturnal death syndrome; Sudden unexplained nocturnal death syndrome. Identifiers: Orphanet 130, MedGen C1142166, MONDO:0015263.

gnomAD v4.1: 2 of 1,605,292 alleles (0.00012%); highest among the groups gnomAD compares: Non-Finnish European, 0.00017%; no homozygotes.

Submission:

Labcorp Genetics (formerly Invitae), Labcorp
Classification: Uncertain significance for Brugada syndrome. Last evaluated: 2022-08-12. Review status: criteria provided, single submitter. Criteria: Invitae Variant Classification Sherloc (09022015). Collection method: clinical testing. Allele origin: germline.
Comment: This variant is not present in population databases (gnomAD no frequency). In summary, the available evidence is currently insufficient to determine the role of this variant in disease. Therefore, it has been classified as a Variant of Uncertain Significance. Algorithms developed to predict the effect of sequence changes on RNA splicing suggest that this variant may disrupt the consensus splice site. This variant has not been reported in the literature in individuals affected with CACNA2D1-related conditions. This sequence change creates a premature translational stop signal (p.Arg941*) in the CACNA2D1 gene. It is expected to result in an absent or disrupted protein product. However, the current clinical and genetic evidence is not sufficient to establish whether loss-of-function variants in CACNA2D1 cause disease.